The following is an entry in ClinVar:

ClinVar aggregate classification (germline): Uncertain significance. Review status: criteria provided, multiple submitters, no conflicts (2 of 4 stars). 2 submissions from 2 submitters: Uncertain significance (2). Last evaluated 2026-09-06.

Conditions:
Hereditary cancer-predisposing syndrome. Also called: Hereditary Cancer Syndrome; Neoplastic Syndromes, Hereditary; Hereditary neoplastic syndrome; Tumor predisposition. Identifiers: Orphanet 140162, MedGen C0027672, MeSH D009386, MONDO:0015356.
Gastrointestinal stromal tumor. Also called: Gastrointestinal stromal tumor, somatic; Gastrointestinal stroma tumor. Identifiers: Orphanet 44890, MedGen C0238198, MeSH D046152, MONDO:0011719, OMIM 606764, HP:0100723.

Submissions (2):

Ambry Genetics
Classification: Uncertain significance for Hereditary cancer-predisposing syndrome. Last evaluated: 2026-09-06. Review status: criteria provided, single submitter. Criteria: Ambry Variant Classification Scheme 2023. Collection method: clinical testing. Allele origin: germline.
Comment: The p.V29A variant (also known as c.86T>C), located in coding exon 2 of the KIT gene, results from a T to C substitution at nucleotide position 86. The valine at codon 29 is replaced by alanine, an amino acid with similar properties. This amino acid position is conserved. In addition, this alteration is predicted to be tolerated by in silico analysis. Based on the available evidence, the clinical significance of this variant remains unclear.

Labcorp Genetics (formerly Invitae), Labcorp
Classification: Uncertain significance for Gastrointestinal stromal tumor. Last evaluated: 2022-08-20. Review status: criteria provided, single submitter. Criteria: Invitae Variant Classification Sherloc (09022015). Collection method: clinical testing. Allele origin: germline.
Comment: This sequence change replaces valine, which is neutral and non-polar, with alanine, which is neutral and non-polar, at codon 29 of the KIT protein (p.Val29Ala). In summary, the available evidence is currently insufficient to determine the role of this variant in disease. Therefore, it has been classified as a Variant of Uncertain Significance. Algorithms developed to predict the effect of missense changes on protein structure and function output the following: SIFT: "Tolerated"; PolyPhen-2: "Benign"; Align-GVGD: "Class C0". The alanine amino acid residue is found in multiple mammalian species, which suggests that this missense change does not adversely affect protein function. ClinVar contains an entry for this variant (Variation ID: 1364473). This variant has not been reported in the literature in individuals affected with KIT-related conditions. This variant is not present in population databases (gnomAD no frequency).

NM_000222.3(KIT):c.86T>C (p.Val29Ala)

Gene: KIT (KIT proto-oncogene, receptor tyrosine kinase; plus strand). Cytogenetic location: 4q12.
Variant type: single nucleotide variant.
Coding change: c.86T>C on transcript NM_000222.3 (MANE Select); coding-DNA position 86, T replaced by C.
Protein change: p.Val29Ala; replaces valine 29 with alanine.
Molecular consequence: missense variant.
Genome position (GRCh38, 1-based): chr4:54,695,530, T>C. VCF-style: chr4-54695530-T-C. GRCh37 (hg19) VCF-style: chr4-55561696-T-C.
Other names: c.86T>C, p.Val29Ala (NM_001093772.2, NM_001385284.1, NM_001385285.1 and 4 more transcripts); c.86T>C (NM_000222.2); short protein forms V29A.
Identifiers: ClinVar variation 1364473 (VCV001364473.9), dbSNP rs864622699, ClinGen allele CA356896815.
Genomic context (GRCh38, chr4:54,695,530, plus strand): 5'-GGAAGAAGATCATACTCAACACGATTCTGTTTTTCTTGGCAGGCTCTTCTCAACCATCTG[T>C]GAGTCCAGGGGAACCGTCTCCACCATCCATCCATCCAGGAAAATCAGACTTAATAGTCCG-3'
Protein context (NP_000213.1, residues 19-39): RVQTGSSQPS[Val29Ala]SPGEPSPPSI